The following is an entry in ClinVar:

NM_005032.7(PLS3):c.1388G>A (p.Cys463Tyr)

Gene: PLS3 (plastin 3; plus strand). Cytogenetic location: Xq23.
Variant type: single nucleotide variant.
Coding change: c.1388G>A on transcript NM_005032.7 (MANE Select); coding-DNA position 1388, G replaced by A.
Protein change: p.Cys463Tyr; replaces cysteine 463 with tyrosine.
Molecular consequence: missense variant.
Genome position (GRCh38, 1-based): chrX:115,646,412, G>A. VCF-style: chrX-115646412-G-A. GRCh37 (hg19) VCF-style: chrX-114880732-G-A.
Other names: c.1388G>A, p.Cys463Tyr (NM_001136025.5); c.1307G>A, p.Cys436Tyr (NM_001172335.3); c.1349G>A, p.Cys450Tyr (NM_001282337.2); c.1253G>A, p.Cys418Tyr (NM_001282338.2); short protein forms C418Y, C450Y, C436Y, C463Y.
Identifiers: ClinVar variation 1422506 (VCV001422506.6), dbSNP rs2147586579, ClinGen allele CA414335877.

ClinVar aggregate classification (germline): Uncertain significance (1 of 4 stars; one submission).

Submission:

Labcorp Genetics (formerly Invitae), Labcorp
Classification: Uncertain significance. Last evaluated: 2022-07-11. Review status: criteria provided, single submitter. Criteria: Invitae Variant Classification Sherloc (09022015). Collection method: clinical testing. Allele origin: germline.
Comment: In summary, the available evidence is currently insufficient to determine the role of this variant in disease. Therefore, it has been classified as a Variant of Uncertain Significance. Algorithms developed to predict the effect of missense changes on protein structure and function are either unavailable or do not agree on the potential impact of this missense change (SIFT: "Deleterious"; PolyPhen-2: "Probably Damaging"; Align-GVGD: "Class C0"). ClinVar contains an entry for this variant (Variation ID: 1422506). This variant has not been reported in the literature in individuals affected with PLS3-related conditions. This variant is not present in population databases (gnomAD no frequency). This sequence change replaces cysteine, which is neutral and slightly polar, with tyrosine, which is neutral and polar, at codon 463 of the PLS3 protein (p.Cys463Tyr).